The following is an entry in ClinVar:

ClinVar aggregate classification (germline): Uncertain significance. Review status: criteria provided, multiple submitters, no conflicts (2 of 4 stars). 4 submissions from 4 submitters: Uncertain significance (4). Last evaluated 2021-03-15.

Conditions:
Intellectual developmental disorder, X-linked 1. Also called: Atkin Flaitz Patil Smith syndrome; Intellectual disability, X-linked 1; MENTAL RETARDATION, X-LINKED 18; MENTAL RETARDATION, X-LINKED 78. Identifiers: Orphanet 777, MedGen C2931498, MONDO:0010656, OMIM 309530.

Allele frequency attached by ClinVar (database versions not stated): ExAC below 0.00001; gnomAD exomes 0.00001 and below 0.00001; ESP Exome Variant Server 0.00009.
gnomAD v4.1: 1 of 1,209,088 alleles (0.000083%); highest among the groups gnomAD compares: Non-Finnish European, 0.00011%; no homozygotes.

Submissions (4):

Labcorp Genetics (formerly Invitae), Labcorp
Classification: Uncertain significance for Intellectual developmental disorder, X-linked 1. Last evaluated: 2021-03-15. Review status: criteria provided, single submitter. Criteria: Invitae Variant Classification Sherloc (09022015). Collection method: clinical testing. Allele origin: germline.
Comment: Advanced modeling of protein sequence and biophysical properties (such as structural, functional, and spatial information, amino acid conservation, physicochemical variation, residue mobility, and thermodynamic stability) performed at Invitae indicates that this missense variant is not expected to disrupt IQSEC2 protein function. This variant has not been reported in the literature in individuals with IQSEC2-related conditions. The frequency data for this variant in the population databases is considered unreliable, as metrics indicate poor data quality at this position in the ExAC database. This sequence change replaces arginine with glutamine at codon 582 of the IQSEC2 protein (p.Arg582Gln). The arginine residue is moderately conserved and there is a small physicochemical difference between arginine and glutamine. In summary, the available evidence is currently insufficient to determine the role of this variant in disease. Therefore, it has been classified as a Variant of Uncertain Significance.

GeneDx
Classification: Uncertain significance. Last evaluated: 2019-09-12. Review status: criteria provided, single submitter. Criteria: GeneDx Variant Classification Process June 2021. Collection method: clinical testing. Allele origin: germline. Affected: yes.
Comment: In silico analysis, which includes protein predictors and evolutionary conservation, supports that this variant does not alter protein structure/function; Has not been previously published as pathogenic or benign to our knowledge

Baylor Genetics
Classification: Uncertain significance for Intellectual developmental disorder, X-linked 1. Last evaluated: 2018-06-21. Review status: criteria provided, single submitter. Criteria: ACMG Guidelines, 2015. Collection method: clinical testing. Allele origin: maternal. Affected: yes.
Comment: This variant was determined to be of uncertain significance according to ACMG Guidelines, 2015 [PMID:25741868].

Breakthrough Genomics
Classification: Uncertain significance. Review status: criteria provided, single submitter. Criteria: ACMG Guidelines, 2015. Collection method: not provided. Allele origin: germline. Inheritance: X-linked dominant inheritance. Affected: yes.

NM_001111125.3(IQSEC2):c.1745G>A (p.Arg582Gln)

Gene: IQSEC2 (IQ motif and Sec7 domain ArfGEF 2; minus strand). Cytogenetic location: Xp11.22.
Variant type: single nucleotide variant.
Coding change: c.1745G>A on transcript NM_001111125.3 (MANE Select); coding-DNA position 1745, G replaced by A.
Protein change: p.Arg582Gln; replaces arginine 582 with glutamine.
Molecular consequence: missense variant.
Genome position (GRCh38, 1-based): chrX:53,250,831, C>T on the plus strand (G>A on the coding strand, the complement: IQSEC2 is on the minus strand). VCF-style: chrX-53250831-C-T. GRCh37 (hg19) VCF-style: chrX-53280013-C-T.
Other names: c.1130G>A, p.Arg377Gln (NM_015075.2); short protein forms R582Q, R377Q.
Identifiers: ClinVar variation 1032632 (VCV001032632.11), dbSNP rs369172518, ClinGen allele CA10420005.